The following is an entry in ClinVar:

ClinVar aggregate classification (germline): Uncertain significance (1 of 4 stars; one submission).

Conditions:
Epilepsy, early-onset, 3, with or without developmental delay (EPEO3). Identifiers: MedGen C5882674, MONDO:0958196, OMIM 620465.

Submission:

Clinical Genetics Laboratory, Skane University Hospital Lund
Classification: Uncertain significance for Epilepsy, early-onset, 3, with or without developmental delay. Last evaluated: 2026-05-18. Review status: criteria provided, single submitter. Criteria: ACMG Guidelines, 2015. Collection method: clinical testing. Allele origin: de novo. Affected: yes.
Comment: ACMG criteria applied: PS2_moderate, PM2, PP3.

NM_001694.4(ATP6V0C):c.206G>T (p.Gly69Val)

Gene: ATP6V0C (ATPase H+ transporting V0 subunit c; plus strand). Cytogenetic location: 16p13.3.
Variant type: single nucleotide variant.
Coding change: c.206G>T on transcript NM_001694.4 (MANE Select); coding-DNA position 206, G replaced by T.
Protein change: p.Gly69Val; replaces glycine 69 with valine.
Molecular consequence: missense variant.
Genome position (GRCh38, 1-based): chr16:2,519,344, G>T. VCF-style: chr16-2519344-G-T. GRCh37 (hg19) VCF-style: chr16-2569345-G-T.
Other names: c.206G>T, p.Gly69Val (NM_001198569.2); short protein forms G69V.
Identifiers: ClinVar variation 4850879 (VCV004850879.1).